The following is an entry in ClinVar:

NM_000059.4(BRCA2):c.3708A>G (p.Lys1236=)

Gene: BRCA2 (BRCA2 DNA repair associated; plus strand). Cytogenetic location: 13q13.1.
Variant type: single nucleotide variant.
Coding change: c.3708A>G on transcript NM_000059.4 (MANE Select); coding-DNA position 3708, A replaced by G.
Protein change: p.Lys1236=; no amino-acid change (lysine 1236 retained).
Molecular consequence: synonymous variant.
Genome position (GRCh38, 1-based): chr13:32,338,063, A>G. VCF-style: chr13-32338063-A-G. GRCh37 (hg19) VCF-style: chr13-32912200-A-G.
Identifiers: ClinVar variation 1122720 (VCV001122720.10), dbSNP rs2072486840, ClinGen allele CA483437737.

ClinVar aggregate classification (germline): Likely benign. Review status: criteria provided, multiple submitters, no conflicts (2 of 4 stars). 3 submissions from 3 submitters: Likely benign (3). Last evaluated 2025-11-05.

Conditions:
Hereditary cancer-predisposing syndrome. Also called: Hereditary neoplastic syndrome; Neoplastic Syndromes, Hereditary; Tumor predisposition; Hereditary Cancer Syndrome. Identifiers: Orphanet 140162, MedGen C0027672, MeSH D009386, MONDO:0015356.
BRCA2-related cancer predisposition. Identifiers: MedGen CN377758, MONDO:0700269.
Hereditary breast ovarian cancer syndrome. Also called: Hereditary breast and ovarian cancer; Breast and ovarian cancer; Hereditary breast and ovarian cancer syndrome (HBOC); BRCA1- and BRCA2-Associated Hereditary Breast and Ovarian Cancer; Hereditary breast and/or ovarian cancer syndrome; Hereditary breast and ovarian cancer syndrome. Identifiers: Orphanet 145, MedGen C0677776, MeSH D061325, MONDO:0003582. Disease mechanism: loss of function.

Submissions (3):

Labcorp Genetics (formerly Invitae), Labcorp
Classification: Likely benign for Hereditary breast ovarian cancer syndrome. Last evaluated: 2025-11-05. Review status: criteria provided, single submitter. Criteria: Invitae Variant Classification Sherloc (09022015). Collection method: clinical testing. Allele origin: germline.

All of Us Research Program, National Institutes of Health
Classification: Likely benign for BRCA2-related cancer predisposition. Last evaluated: 2024-04-16. Review status: criteria provided, single submitter. Criteria: ACMG Guidelines, 2015. Collection method: clinical testing. Allele origin: germline. Inheritance: Autosomal dominant inheritance. Observed: 1 variant allele, 1 heterozygote.
Comment: This study involves interpretation of variants in research participants for the purpose of population health screening. Participant phenotype was not available at the time of variant classification. Additional details can be found in publication PMID: 35346344, PMCID: PMC8962531

Color Diagnostics, LLC DBA Color Health
Classification: Likely benign for Hereditary cancer-predisposing syndrome. Last evaluated: 2024-04-10. Review status: criteria provided, single submitter. Criteria: ACMG Guidelines, 2015. Collection method: clinical testing. Allele origin: germline.